The following is an entry in ClinVar:

NM_022436.3(ABCG5):c.902A>G (p.Tyr301Cys)

Genes: ABCG5 (ATP binding cassette subfamily G member 5; minus strand), DYNC2LI1 (dynein cytoplasmic 2 light intermediate chain 1; plus strand). Cytogenetic location: 2p21.
Variant type: single nucleotide variant.
Coding change: c.902A>G on transcript NM_022436.3 (MANE Select); coding-DNA position 902, A replaced by G.
Protein change: p.Tyr301Cys; replaces tyrosine 301 with cysteine.
Molecular consequence: missense variant. On other transcripts: intron variant (2).
Genome position (GRCh38, 1-based): chr2:43,824,891, T>C on the plus strand (A>G on the coding strand, the complement: ABCG5 is on the minus strand). VCF-style: chr2-43824891-T-C. GRCh37 (hg19) VCF-style: chr2-44052030-T-C.
Other names: c.*16-2495T>C (NM_001348913.2, NM_001348912.2); short protein forms Y301C.
Identifiers: ClinVar variation 3227765 (VCV003227765.1), dbSNP rs369826575, ClinGen allele CA1636474.

ClinVar aggregate classification (germline): Uncertain significance (1 of 4 stars; one submission).

Conditions:
Cardiovascular phenotype. Identifiers: MedGen CN230736.

Allele frequency attached by ClinVar (database versions not stated): ESP Exome Variant Server 0.00008; TOPMed below 0.00001; ExAC 0.00001.

Submission:

Ambry Genetics
Classification: Uncertain significance for Cardiovascular phenotype. Last evaluated: 2023-12-04. Review status: criteria provided, single submitter. Criteria: Ambry Variant Classification Scheme 2023. Collection method: clinical testing. Allele origin: germline.
Comment: The p.Y301C variant (also known as c.902A>G), located in coding exon 7 of the ABCG5 gene, results from an A to G substitution at nucleotide position 902. The tyrosine at codon 301 is replaced by cysteine, an amino acid with highly dissimilar properties. This amino acid position is conserved. In addition, this alteration is predicted to be tolerated by in silico analysis. Since supporting evidence is limited at this time, the clinical significance of this alteration remains unclear.